The following is an entry in ClinVar:

ClinVar aggregate classification (germline): Pathogenic. Review status: criteria provided, multiple submitters, no conflicts (2 of 4 stars). 6 submissions from 6 submitters: Pathogenic (5). 1 of the submissions does not count toward it. Last evaluated 2025-12-13.

Conditions:
SMC1A-related disorder. Also called: SMC1A-related condition.
Developmental and epileptic encephalopathy, 85, with or without midline brain defects. Also called: EPILEPTIC ENCEPHALOPATHY, EARLY INFANTILE, 85, WITH OR WITHOUT MIDLINE BRAIN DEFECTS. Identifiers: MedGen C5393312, MONDO:0026771, OMIM 301044.
Congenital muscular hypertrophy-cerebral syndrome (CDLS2). Also called: Cornelia de Lange syndrome 2; SMC1A-Related Cornelia de Lange Syndrome. Identifiers: Orphanet 199, MedGen C1802395, MONDO:0010370, OMIM 300590.

Submissions (6):

Labcorp Genetics (formerly Invitae), Labcorp
Classification: Pathogenic for Congenital muscular hypertrophy-cerebral syndrome. Last evaluated: 2025-12-13. Review status: criteria provided, single submitter. Criteria: Invitae Variant Classification Sherloc (09022015). Collection method: clinical testing. Allele origin: germline.
Comment: This sequence change creates a premature translational stop signal (p.Ser951Argfs*12) in the SMC1A gene. It is expected to result in an absent or disrupted protein product. Loss-of-function variants in SMC1A are known to be pathogenic (PMID: 26386245, 27334371, 28166369, 28548707, 31334757). This variant is not present in population databases (gnomAD no frequency). This premature translational stop signal has been observed in individual(s) with Cornelia de Lange syndrome (PMID: 26386245). ClinVar contains an entry for this variant (Variation ID: 208626). For these reasons, this variant has been classified as Pathogenic.

GeneDx
Classification: Pathogenic. Last evaluated: 2025-01-08. Review status: criteria provided, single submitter. Criteria: GeneDx Variant Classification Process June 2021. Collection method: clinical testing. Allele origin: germline. Affected: yes.
Comment: Frameshift variant predicted to result in protein truncation or nonsense mediated decay in a gene where this variant type is part of the mutation spectrum reported in the published literature (PMID: 31175295, 32725632, 35238682, 35712061); Not observed at significant frequency in large population cohorts (gnomAD); This variant is associated with the following publications: (PMID: 37107610, 33057194, 31175295, 32725632, 35238682, 35712061, 30158690, 26386245, 38421079)

Blueprint Genetics
Classification: Pathogenic for SMC1A-related disorders. Last evaluated: 2022-07-15. Review status: criteria provided, single submitter. Criteria: ACMG Guidelines, 2015. Collection method: clinical testing. Allele origin: germline. Affected: yes. Observed: 1 variant allele.

Baylor Genetics
Classification: Pathogenic for Cornelia de Lange syndrome 2. Last evaluated: 2018-03-08. Review status: criteria provided, single submitter. Criteria: ACMG Guidelines, 2015. Collection method: clinical testing. Allele origin: de novo. Affected: yes. Observed: 1 variant allele.

Center for Human Genetics, University Hospitals Case Medical Center/Case Western Reserve University
Classification: Pathogenic for Cornelia de Lange Syndrome 2; CDLS2. Last evaluated: 2015-09-08. Review status: criteria provided, single submitter. Criteria: Submitter's publication. Collection method: clinical testing. Allele origin: de novo. Affected: yes. Observed: 1 variant allele.
Comment: Developmental delay and seizures, with either mild or absent classic CdLS facial features.

OMIM
Classification: Pathogenic for DEVELOPMENTAL AND EPILEPTIC ENCEPHALOPATHY 85 WITH MIDLINE BRAIN DEFECTS. Last evaluated: 2015-10-01. Review status: no assertion criteria provided. Collection method: literature only. Allele origin: germline. Not counted in ClinVar's aggregate classification.

Literature cited by the submitters: PubMed 26386245 (cited by 3 submitters); PubMed 27334371 (cited by Labcorp Genetics (formerly Invitae), Labcorp); PubMed 28166369 (cited by Labcorp Genetics (formerly Invitae), Labcorp); PubMed 28548707 (cited by Labcorp Genetics (formerly Invitae), Labcorp); PubMed 31334757 (cited by Labcorp Genetics (formerly Invitae), Labcorp); PubMed 30158690 (cited by Baylor Genetics).

NM_006306.4(SMC1A):c.2853_2856del (p.Ser951fs)

Gene: SMC1A (structural maintenance of chromosomes 1A; minus strand). Cytogenetic location: Xp11.22.
Variant type: Deletion.
Coding change: c.2853_2856del on transcript NM_006306.4 (MANE Select); coding-DNA positions 2853 to 2856, 4 bases deleted (TCAG; older notation c.2853_2856delTCAG).
Protein change: p.Ser951fs; shifts the reading frame from serine 951.
Molecular consequence: frameshift variant.
Genome position (GRCh38, 1-based): chrX:53,396,233-53,396,236, CTGA deleted on the plus strand (TCAG on the coding strand, the reverse complement: SMC1A is on the minus strand); deleting any 4 consecutive bases within chrX:53,396,233-53,396,238 gives the same sequence; the c. name uses the placement nearest the transcript's 3' end. VCF-style (leftmost placement, unchanged base first): chrX-53396232-CCTGA-C. GRCh37 (hg19) VCF-style: chrX-53423152-CCTGA-C.
Other names: c.2787_2790del, p.Ser929fs (NM_001281463.1); c.2853_2856delTCAG (NM_006306.3, NM_006306.2); c.2853_2856del (NM_006306.2); short protein forms S951fs, S929fs.
Identifiers: ClinVar variation 208626 (VCV000208626.9), dbSNP rs863225458, ClinGen allele CA277856.
Genomic context (GRCh38, chrX:53,396,232, plus strand): 5'-CATCCCTGGTTAATGATGTTCATCGCCCACTCCCACCACCAGCCACAATACTCACCTCTT[CCTGA>C]CTAATATCATCCATGGTGCCTTTTGACAGTGGCAACTTAATGTCCTGCATCTTACAGGCC-3'